The following is an entry in ClinVar:

ClinVar aggregate classification (germline): Uncertain significance (1 of 4 stars; one submission).

Conditions:
Familial cold autoinflammatory syndrome 3 (FCAS3). Also called: ANTIBODY DEFICIENCY AND IMMUNE DYSREGULATION, PLCG2-ASSOCIATED; FAMILIAL ATYPICAL COLD URTICARIA. Identifiers: Orphanet 300359, MedGen C3280914, MONDO:0013766, OMIM 614468.

Allele frequency attached by ClinVar (database versions not stated): gnomAD exomes below 0.00001; TOPMed below 0.00001; gnomAD 0.00001.
gnomAD v4.1: 2 of 1,612,846 alleles (0.00012%); highest among the groups gnomAD compares: Non-Finnish European, 0.00017%; no homozygotes.

Submission:

Labcorp Genetics (formerly Invitae), Labcorp
Classification: Uncertain significance for Familial cold autoinflammatory syndrome 3. Last evaluated: 2026-01-12. Review status: criteria provided, single submitter. Criteria: Invitae Variant Classification Sherloc (09022015). Collection method: clinical testing. Allele origin: germline.
Comment: This sequence change falls in intron 9 of the PLCG2 gene. It does not directly change the encoded amino acid sequence of the PLCG2 protein. It affects a nucleotide within the consensus splice site. This variant is not present in population databases (gnomAD no frequency). This variant has not been reported in the literature in individuals affected with PLCG2-related conditions. ClinVar contains an entry for this variant (Variation ID: 1461982). Variants that disrupt the consensus splice site are a relatively common cause of aberrant splicing (PMID: 17576681, 9536098). Algorithms developed to predict the effect of sequence changes on RNA splicing suggest that this variant may disrupt the consensus splice site. In summary, the available evidence is currently insufficient to determine the role of this variant in disease. Therefore, it has been classified as a Variant of Uncertain Significance.

Literature cited by the submitters: PubMed 17576681; PubMed 9536098.

NM_002661.5(PLCG2):c.765+5G>C

Gene: PLCG2 (phospholipase C gamma 2; plus strand). Cytogenetic location: 16q23.3.
Variant type: single nucleotide variant.
Coding change: c.765+5G>C on transcript NM_002661.5 (MANE Select); 5 bases into the intron after coding-DNA position 765, G replaced by C.
Molecular consequence: intron variant.
Genome position (GRCh38, 1-based): chr16:81,883,346, G>C. VCF-style: chr16-81883346-G-C. GRCh37 (hg19) VCF-style: chr16-81916951-G-C.
Identifiers: ClinVar variation 1461982 (VCV001461982.6), dbSNP rs1400033523, ClinGen allele CA724746915.